The following is an entry in ClinVar:

ClinVar aggregate classification (germline): Uncertain significance (1 of 4 stars; one submission).

Conditions:
Keratosis palmoplantaris striata 2. Also called: KERATODERMA, PALMOPLANTAR, STRIATE FORM II; STRIATE PALMOPLANTAR KERATODERMA II; Keratosis palmoplantaris striata II. Identifiers: MedGen C1852127, MONDO:0013034, OMIM 612908.

gnomAD v4.1: 1 of 1,614,098 alleles (0.000062%); highest among the groups gnomAD compares: Non-Finnish European, 0.000085%; no homozygotes.

Submission:

Centre for Mendelian Genomics, University Medical Centre Ljubljana
Classification: Uncertain significance for Keratosis palmoplantaris striata 2. Last evaluated: 2018-11-30. Review status: criteria provided, single submitter. Criteria: ACMG Guidelines, 2015. Collection method: clinical testing. Allele origin: unknown. Affected: yes.
Comment: This variant was classified as: Uncertain significance. The available evidence on this variant's pathogenicity is insufficient or conflicting. The following ACMG criteria were applied in classifying this variant: PM2.

NM_004415.4(DSP):c.5692G>A (p.Glu1898Lys)

Gene: DSP (desmoplakin; plus strand). Cytogenetic location: 6p24.3.
Variant type: single nucleotide variant.
Coding change: c.5692G>A on transcript NM_004415.4 (MANE Select); coding-DNA position 5692, G replaced by A.
Protein change: p.Glu1898Lys; replaces glutamic acid 1898 with lysine.
Molecular consequence: missense variant.
Genome position (GRCh38, 1-based): chr6:7,582,954, G>A. VCF-style: chr6-7582954-G-A. GRCh37 (hg19) VCF-style: chr6-7583187-G-A.
Other names: c.3895G>A, p.Glu1299Lys (NM_001008844.3); c.4363G>A, p.Glu1455Lys (NM_001319034.2); short protein forms E1299K, E1898K, E1455K.
Identifiers: ClinVar variation 931941 (VCV000931941.3), dbSNP rs1759492368, ClinGen allele CA362689200.